The following is an entry in ClinVar:

ClinVar aggregate classification (germline): Likely benign (1 of 4 stars; one submission).

gnomAD v4.1: 2 of 1,614,200 alleles (0.00012%); highest among the groups gnomAD compares: East Asian, 0.0022%; no homozygotes.

Submission:

CeGaT Center for Human Genetics Tuebingen
Classification: Likely benign. Last evaluated: 2024-06-01. Review status: criteria provided, single submitter. Criteria: CeGaT Center For Human Genetics Tuebingen Variant Classification Criteria Version 2. Collection method: clinical testing. Allele origin: germline. Affected: yes. Observed: 1 variant allele.
Comment: FANCA: PM2:Supporting, BP4, BP7

NM_000135.4(FANCA):c.893+99C>T

Gene: FANCA (FA complementation group A; minus strand). Cytogenetic location: 16q24.3.
Variant type: single nucleotide variant.
Coding change: c.893+99C>T on transcript NM_000135.4 (MANE Select); 99 bases into the intron after coding-DNA position 893, C replaced by T.
Molecular consequence: intron variant. On other transcripts: 3 prime UTR variant (2).
Genome position (GRCh38, 1-based): chr16:89,799,067, G>A on the plus strand (C>T on the coding strand, the complement: FANCA is on the minus strand). VCF-style: chr16-89799067-G-A. GRCh37 (hg19) VCF-style: chr16-89865475-G-A.
Other names: c.*12C>T (NM_001018112.3, NM_001351830.2); c.893+99C>T (NM_001286167.3).
Identifiers: ClinVar variation 3251181 (VCV003251181.18), dbSNP rs774565502.